The following is an entry in ClinVar:

ClinVar aggregate classification (germline): Uncertain significance. Review status: criteria provided, multiple submitters, no conflicts (2 of 4 stars). 2 submissions from 2 submitters: Uncertain significance (2). Last evaluated 2023-03-10.

Conditions:
Joubert syndrome. Also called: JOUBERT-BOLTSHAUSER SYNDROME; Familial aplasia of the vermis. Identifiers: Orphanet 475, MedGen C5979921, MONDO:0018772.
Meckel-Gruber syndrome. Also called: DYSENCEPHALIA SPLANCHNOCYSTICA; GRUBER SYNDROME; Dysencephalia splachnocystica. Identifiers: Orphanet 564, MedGen C0265215, MONDO:0018921.
Inborn genetic diseases. Identifiers: MedGen C0950123, MeSH D030342.

Allele frequency attached by ClinVar (database versions not stated): ExAC 0.00001.
gnomAD v4.1: 1 of 1,613,810 alleles (0.000062%); highest among the groups gnomAD compares: Admixed American, 0.0017%; no homozygotes.

Submissions (2):

Labcorp Genetics (formerly Invitae), Labcorp
Classification: Uncertain significance for Joubert syndrome; Meckel-Gruber syndrome. Last evaluated: 2023-03-10. Review status: criteria provided, single submitter. Criteria: Invitae Variant Classification Sherloc (09022015). Collection method: clinical testing. Allele origin: germline.
Comment: In summary, the available evidence is currently insufficient to determine the role of this variant in disease. Therefore, it has been classified as a Variant of Uncertain Significance. Advanced modeling of protein sequence and biophysical properties (such as structural, functional, and spatial information, amino acid conservation, physicochemical variation, residue mobility, and thermodynamic stability) performed at Invitae indicates that this missense variant is not expected to disrupt CC2D2A protein function. ClinVar contains an entry for this variant (Variation ID: 2076070). This variant has not been reported in the literature in individuals affected with CC2D2A-related conditions. This variant is present in population databases (no rsID available, gnomAD 0.003%). This sequence change replaces aspartic acid, which is acidic and polar, with glutamic acid, which is acidic and polar, at codon 544 of the CC2D2A protein (p.Asp544Glu).

Ambry Genetics
Classification: Uncertain significance for Inborn genetic diseases. Last evaluated: 2022-07-28. Review status: criteria provided, single submitter. Criteria: Ambry Variant Classification Scheme 2023. Collection method: clinical testing. Allele origin: germline.

NM_001378615.1(CC2D2A):c.1632T>G (p.Asp544Glu)

Genes: CC2D2A (coiled-coil and C2 domain containing 2A; plus strand), FBXL5 (F-box and leucine rich repeat protein 5; minus strand). Cytogenetic location: 4p15.32.
Variant type: single nucleotide variant.
Coding change: c.1632T>G on transcript NM_001378615.1 (MANE Select); coding-DNA position 1632, T replaced by G.
Protein change: p.Asp544Glu; replaces aspartic acid 544 with glutamic acid.
Molecular consequence: missense variant.
Genome position (GRCh38, 1-based): chr4:15,536,944, T>G. VCF-style: chr4-15536944-T-G. GRCh37 (hg19) VCF-style: chr4-15538567-T-G.
Other names: c.1632T>G, p.Asp544Glu (NM_001080522.2); c.1485T>G, p.Asp495Glu (NM_001378617.1); short protein forms D544E, D495E.
Identifiers: ClinVar variation 2076070 (VCV002076070.3), dbSNP rs1553832449, ClinGen allele CA2863721.